The following is an entry in ClinVar:

ClinVar aggregate classification (germline): Uncertain significance (1 of 4 stars; one submission).

gnomAD v4.1: 2 of 1,613,538 alleles (0.00012%); highest among the groups gnomAD compares: African/African-American, 0.0013%; no homozygotes.

Submission:

Women's Health and Genetics/Laboratory Corporation of America, LabCorp
Classification: Uncertain significance. Last evaluated: 2024-09-04. Review status: criteria provided, single submitter. Criteria: LabCorp Variant Classification Summary - May 2015. Collection method: clinical testing. Allele origin: germline.
Comment: Variant summary: LHX4 c.656C>T (p.Ala219Val) results in a non-conservative amino acid change in the encoded protein sequence. Five of five in-silico tools predict a damaging effect of the variant on protein function. The variant was absent in 251440 control chromosomes. The available data on variant occurrences in the general population are insufficient to allow any conclusion about variant significance. To our knowledge, no occurrence of c.656C>T in individuals affected with Short Stature-Pituitary And Cerebellar Defects-Small Sella Turcica Syndrome and no experimental evidence demonstrating its impact on protein function have been reported. No submitters have cited clinical-significance assessments for this variant to ClinVar. Based on the evidence outlined above, the variant was classified as uncertain significance.

NM_033343.4(LHX4):c.656C>T (p.Ala219Val)

Genes: ACBD6 (acyl-CoA binding domain containing 6; minus strand), LHX4 (LIM homeobox 4; plus strand), LHX4-AS1 (LHX4 antisense RNA 1; minus strand). Cytogenetic location: 1q25.2.
Variant type: single nucleotide variant.
Coding change: c.656C>T on transcript NM_033343.4 (MANE Select); coding-DNA position 656, C replaced by T.
Protein change: p.Ala219Val; replaces alanine 219 with valine.
Molecular consequence: missense variant. On other transcripts: non-coding transcript variant (1).
Genome position (GRCh38, 1-based): chr1:180,271,884, C>T. VCF-style: chr1-180271884-C-T. GRCh37 (hg19) VCF-style: chr1-180241019-C-T.
Other names: short protein forms A219V.
Identifiers: ClinVar variation 3375091 (VCV003375091.1).